The following is an entry in ClinVar:

ClinVar aggregate classification (germline): Likely benign. Review status: criteria provided, multiple submitters, no conflicts (2 of 4 stars). 2 submissions from 2 submitters: Likely benign (2). Last evaluated 2026-08-20.

Conditions:
COG7-related disorder. Also called: COG7-related condition.
COG7 congenital disorder of glycosylation (CDG2E). Also called: CONGENITAL DISORDER OF GLYCOSYLATION, TYPE IIe; CDG IIe. Identifiers: Orphanet 79333, MedGen C2931010, MONDO:0012118, OMIM 608779.

Allele frequency attached by ClinVar (database versions not stated): gnomAD exomes below 0.00001; ExAC 0.00001; gnomAD 0.00001; TOPMed 0.00001.
gnomAD v4.1: 8 of 1,613,228 alleles (0.0005%); highest among the groups gnomAD compares: Non-Finnish European, 0.00059%; no homozygotes.

Submissions (2):

PreventionGenetics, part of Exact Sciences
Classification: Likely benign for COG7-related condition. Last evaluated: 2026-08-20. Review status: criteria provided, single submitter. Criteria: ACMG Guidelines, 2015. Collection method: clinical testing. Allele origin: germline.
Comment: This variant is classified as likely benign based on ACMG/AMP sequence variant interpretation guidelines (Richards et al. 2015 PMID: 25741868, with internal and published modifications).

Labcorp Genetics (formerly Invitae), Labcorp
Classification: Likely benign for COG7 congenital disorder of glycosylation. Last evaluated: 2023-11-12. Review status: criteria provided, single submitter. Criteria: Invitae Variant Classification Sherloc (09022015). Collection method: clinical testing. Allele origin: germline.

NM_153603.4(COG7):c.1053G>A (p.Val351=)

Gene: COG7 (component of oligomeric golgi complex 7; minus strand). Cytogenetic location: 16p12.2.
Variant type: single nucleotide variant.
Coding change: c.1053G>A on transcript NM_153603.4 (MANE Select); coding-DNA position 1053, G replaced by A.
Protein change: p.Val351=; no amino-acid change (valine 351 retained).
Molecular consequence: synonymous variant.
Genome position (GRCh38, 1-based): chr16:23,418,784, C>T on the plus strand (G>A on the coding strand, the complement: COG7 is on the minus strand). VCF-style: chr16-23418784-C-T. GRCh37 (hg19) VCF-style: chr16-23430105-C-T.
Other names: c.1053G>A (NM_153603.3).
Identifiers: ClinVar variation 1666556 (VCV001666556.9), dbSNP rs765976652, ClinGen allele CA7961094.
Genomic context (GRCh38, chr16:23,418,784, plus strand): 5'-GAGGAGGTTGCTCTCTTCCATGTCGCCATACTTCAGCTGGTAGGGTTTGTATGGATCATA[C>T]ACAGCATCCACCAGCTCCGTGACTTTTACCAGATTGTGTTCATCTTTAGGGAATCAGAAA-3'
Protein context (NP_705831.1, residues 341-361): LVKVTELVDA[Val351=]YDPYKPYQLK